The following is an entry in ClinVar:

NM_000130.5(F5):c.5176C>T (p.Arg1726Trp)

Gene: F5 (coagulation factor V; minus strand). Cytogenetic location: 1q24.2.
Variant type: single nucleotide variant.
Coding change: c.5176C>T on transcript NM_000130.5 (MANE Select); coding-DNA position 5176, C replaced by T.
Protein change: p.Arg1726Trp; replaces arginine 1726 with tryptophan.
Molecular consequence: missense variant.
Genome position (GRCh38, 1-based): chr1:169,530,818, G>A on the plus strand (C>T on the coding strand, the complement: F5 is on the minus strand). VCF-style: chr1-169530818-G-A. GRCh37 (hg19) VCF-style: chr1-169500056-G-A.
Other names: short protein forms R1726W.
Identifiers: ClinVar variation 4795350 (VCV004795350.1).
Genomic context (GRCh38, chr1:169,530,818, plus strand): 5'-GAGAAAAACTTTCAATGAAAGTACCTACTGGGTTCACAGCTGAGTAGTAGGCCCAAGCCC[G>A]ACAGGCAGAGCCAGGACTTTCTGGCCCTGATCGCTCAGTGGCATGCCATACGTAGGTATA-3'
Protein context (NP_000121.2, residues 1716-1736): SGPESPGSAC[Arg1726Trp]AWAYYSAVNP

ClinVar aggregate classification (germline): Uncertain significance (1 of 4 stars; one submission).

gnomAD v4.1: 24 of 1,613,860 alleles (0.0015%); highest among the groups gnomAD compares: South Asian, 0.0022%; no homozygotes.

Submission:

GeneDx
Classification: Uncertain significance. Last evaluated: 2025-08-15. Review status: criteria provided, single submitter. Criteria: GeneDx Variant Classification Process June 2021. Collection method: clinical testing. Allele origin: germline. Affected: yes.
Comment: Observed with a second F5 variant in patients with Factor V deficiency, but it is not known whether the variants occurred on the same (in cis) or on different (in trans) chromosomes (PMID: 19486170); Published functional studies demonstrate a damaging effect (PMID: 23616041); In silico analysis supports that this missense variant has a deleterious effect on protein structure/function; This variant is associated with the following publications: (PMID: 37647632, 19486170, 23616041)